The following is an entry in ClinVar:

ClinVar aggregate classification (germline): Uncertain significance (1 of 4 stars; one submission).

gnomAD v4.1: 14 of 1,543,980 alleles (0.00091%); highest among the groups gnomAD compares: East Asian, 0.0024%; no homozygotes.

Submission:

Labcorp Genetics (formerly Invitae), Labcorp
Classification: Uncertain significance. Last evaluated: 2024-10-26. Review status: criteria provided, single submitter. Criteria: Invitae Variant Classification Sherloc (09022015). Collection method: clinical testing. Allele origin: germline.
Comment: This sequence change creates a premature translational stop signal (p.Gln496*) in the AK7 gene. It is expected to result in an absent or disrupted protein product. However, the current clinical and genetic evidence is not sufficient to establish whether loss-of-function variants in AK7 cause disease. This variant is not present in population databases (gnomAD no frequency). This variant has not been reported in the literature in individuals affected with AK7-related conditions. In summary, the available evidence is currently insufficient to determine the role of this variant in disease. Therefore, it has been classified as a Variant of Uncertain Significance.

NM_152327.5(AK7):c.1486C>T (p.Gln496Ter)

Gene: AK7 (adenylate kinase 7; plus strand). Cytogenetic location: 14q32.2.
Variant type: single nucleotide variant.
Coding change: c.1486C>T on transcript NM_152327.5 (MANE Select); coding-DNA position 1486, C replaced by T.
Protein change: p.Gln496Ter; replaces glutamine 496 with a stop codon.
Molecular consequence: nonsense. On other transcripts: intron variant (1).
Genome position (GRCh38, 1-based): chr14:96,471,606, C>T. VCF-style: chr14-96471606-C-T. GRCh37 (hg19) VCF-style: chr14-96937943-C-T.
Other names: c.1486C>T, p.Gln496Ter (NM_001350888.2, NM_001350890.2); c.1408C>T, p.Gln470Ter (NM_001350891.2); c.1358-6859C>T (NM_001350892.2); short protein forms Q470*, Q496*.
Identifiers: ClinVar variation 3707420 (VCV003707420.2).
Genomic context (GRCh38, chr14:96,471,606, plus strand): 5'-CAAGGTTATATTTTGGATGGATTCCCAAAGACCTATGATCAAGCAAAAGACCTGTTCAAT[C>T]GTAAGTTTGAGTGTTCTATTTTGAGTATTTATATTCAGATAAGTTGCAACTTTATTGTTC-3'